The following is an entry in ClinVar:

ClinVar aggregate classification (germline): Uncertain significance. Review status: criteria provided, multiple submitters, no conflicts (2 of 4 stars). 4 submissions from 4 submitters: Uncertain significance (4). Last evaluated 2026-08-26.

Conditions:
Cardiovascular phenotype. Identifiers: MedGen CN230736.
COL1A2-related disorder. Also called: COL1A2-Related Disorders; COL1A2-related condition.
Ehlers-Danlos syndrome, classic type, 1 (EDSCL1). Also called: Ehlers-Danlos syndrome, type 1; EHLERS-DANLOS SYNDROME, GRAVIS TYPE; EHLERS-DANLOS SYNDROME, SEVERE CLASSIC TYPE; Ehlers-Danlos Syndrome, Classic Type, COL5A1-Related; EDS I. Identifiers: MedGen C0268335, MONDO:0019567, OMIM 130000.
Osteogenesis imperfecta type I (OI1). Also called: Lobstein's Disease; Classic Non-deforming Osteogenesis Imperfecta with Blue Sclerae; Osteogenesis imperfecta type 1; OI, TYPE I; OSTEOGENESIS IMPERFECTA TARDA; OSTEOGENESIS IMPERFECTA WITH BLUE SCLERAE. Identifiers: Orphanet 216796, Orphanet 666, MedGen C0023931, MONDO:0008146, OMIM 166200. Disease mechanism: loss of function.

Allele frequency attached by ClinVar (database versions not stated): gnomAD 0.00001 and 0.00003; gnomAD exomes 0.00002 and 0.00008; TOPMed 0.00002; ExAC 0.00011; 1000 Genomes Project 30x 0.00062; 1000 Genomes Project 0.00080.
gnomAD v4.1: 35 of 1,614,178 alleles (0.0022%); highest among the groups gnomAD compares: East Asian, 0.042%; no homozygotes.

Submissions (4):

PreventionGenetics, part of Exact Sciences
Classification: Uncertain significance for COL1A2-related condition. Last evaluated: 2026-08-26. Review status: criteria provided, single submitter. Criteria: ACMG Guidelines, 2015. Collection method: clinical testing. Allele origin: germline.
Comment: The COL1A2 c.845G>A variant is predicted to result in the amino acid substitution p.Arg282His. To our knowledge, this variant has not been reported in the literature. This variant is reported in 0.098% of alleles in individuals of East Asian descent in gnomAD. At this time, the clinical significance of this variant is uncertain due to the absence of conclusive functional and genetic evidence.

Labcorp Genetics (formerly Invitae), Labcorp
Classification: Uncertain significance for Osteogenesis imperfecta type I; Ehlers-Danlos syndrome, classic type, 1. Last evaluated: 2026-01-03. Review status: criteria provided, single submitter. Criteria: Invitae Variant Classification Sherloc (09022015). Collection method: clinical testing. Allele origin: germline.
Comment: This sequence change replaces arginine, which is basic and polar, with histidine, which is basic and polar, at codon 282 of the COL1A2 protein (p.Arg282His). This variant is present in population databases (rs542393716, gnomAD 0.09%). This variant has not been reported in the literature in individuals affected with COL1A2-related conditions. ClinVar contains an entry for this variant (Variation ID: 1361013). Invitae Evidence Modeling of protein sequence and biophysical properties (such as structural, functional, and spatial information, amino acid conservation, physicochemical variation, residue mobility, and thermodynamic stability) has been performed for this missense variant. However, the output from this modeling did not meet the statistical confidence thresholds required to predict the impact of this variant on COL1A2 protein function. In summary, the available evidence is currently insufficient to determine the role of this variant in disease. Therefore, it has been classified as a Variant of Uncertain Significance.

Ambry Genetics
Classification: Uncertain significance for Cardiovascular phenotype. Last evaluated: 2025-12-04. Review status: criteria provided, single submitter. Criteria: Ambry Variant Classification Scheme 2023. Collection method: clinical testing. Allele origin: germline.
Comment: The p.R282H variant (also known as c.845G>A), located in coding exon 17 of the COL1A2 gene, results from a G to A substitution at nucleotide position 845. The arginine at codon 282 is replaced by histidine, an amino acid with highly similar properties. This amino acid position is conserved. In addition, the in silico prediction for this alteration is inconclusive. Based on the available evidence, the clinical significance of this variant remains unclear.

Revvity Omics, Revvity
Classification: Uncertain significance. Last evaluated: 2023-07-28. Review status: criteria provided, single submitter. Criteria: ACMG Guidelines, 2015. Collection method: clinical testing. Allele origin: germline.

NM_000089.4(COL1A2):c.845G>A (p.Arg282His)

Gene: COL1A2 (collagen type I alpha 2 chain; plus strand). Cytogenetic location: 7q21.3.
Variant type: single nucleotide variant.
Coding change: c.845G>A on transcript NM_000089.4 (MANE Select); coding-DNA position 845, G replaced by A.
Protein change: p.Arg282His; replaces arginine 282 with histidine.
Molecular consequence: missense variant.
Genome position (GRCh38, 1-based): chr7:94,409,374, G>A. VCF-style: chr7-94409374-G-A. GRCh37 (hg19) VCF-style: chr7-94038686-G-A.
Other names: c.845G>A (NM_000089.3); short protein forms R282H.
Identifiers: ClinVar variation 1361013 (VCV001361013.10), dbSNP rs542393716, ClinGen allele CA4346845.